The following is an entry in ClinVar:

ClinVar aggregate classification (germline): Conflicting classifications of pathogenicity. Review status: criteria provided, conflicting classifications (1 of 4 stars). 2 submissions from 2 submitters: Uncertain significance (1); Likely benign (1). Last evaluated 2023-08-04.

Conditions:
Episodic ataxia type 2 (EA2). Also called: ACETAZOLAMIDE-RESPONSIVE HEREDITARY PAROXYSMAL CEREBELLAR ATAXIA; ATAXIA, EPISODIC, WITH NYSTAGMUS; ATAXIA, FAMILIAL PAROXYSMAL; CEREBELLAR ATAXIA, PAROXYSMAL, ACETAZOLAMIDE-RESPONSIVE; CEREBELLOPATHY, HEREDITARY PAROXYSMAL; EPISODIC ATAXIA, NYSTAGMUS-ASSOCIATED. Identifiers: Orphanet 97, MedGen C1720416, MONDO:0007163, OMIM 108500.
Developmental and epileptic encephalopathy, 42 (DEE42A). Also called: EPILEPTIC ENCEPHALOPATHY, EARLY INFANTILE, 42A; DEVELOPMENTAL AND EPILEPTIC ENCEPHALOPATHY 42A; Epileptic encephalopathy, early infantile, 42. Identifiers: MedGen C4310716, MONDO:0014917, OMIM 617106.

Allele frequency attached by ClinVar (database versions not stated): gnomAD exomes below 0.00001.
gnomAD v4.1: 1 of 1,613,516 alleles (0.000062%); highest among the groups gnomAD compares: Admixed American, 0.0017%; no homozygotes.

Submissions (2):

Labcorp Genetics (formerly Invitae), Labcorp
Classification: Likely benign for Developmental and epileptic encephalopathy, 42; Episodic ataxia type 2. Last evaluated: 2023-08-04. Review status: criteria provided, single submitter. Criteria: Invitae Variant Classification Sherloc (09022015). Collection method: clinical testing. Allele origin: germline.

GeneDx
Classification: Uncertain significance. Last evaluated: 2022-12-14. Review status: criteria provided, single submitter. Criteria: GeneDx Variant Classification Process June 2021. Collection method: clinical testing. Allele origin: germline. Affected: yes.
Comment: Not observed at significant frequency in large population cohorts (gnomAD); In silico analysis supports that this missense variant has a deleterious effect on protein structure/function; Has not been previously published as pathogenic or benign to our knowledge

NM_001127222.2(CACNA1A):c.5741A>G (p.Asp1914Gly)

Gene: CACNA1A (calcium voltage-gated channel subunit alpha1 A; minus strand). Cytogenetic location: 19p13.13.
Variant type: single nucleotide variant.
Coding change: c.5741A>G on transcript NM_001127222.2 (MANE Select); coding-DNA position 5741, A replaced by G.
Protein change: p.Asp1914Gly; replaces aspartic acid 1914 with glycine.
Molecular consequence: missense variant.
Genome position (GRCh38, 1-based): chr19:13,214,599, T>C on the plus strand (A>G on the coding strand, the complement: CACNA1A is on the minus strand). VCF-style: chr19-13214599-T-C. GRCh37 (hg19) VCF-style: chr19-13325413-T-C.
Other names: c.5759A>G, p.Asp1920Gly (NM_000068.4, NM_023035.3); c.5744A>G, p.Asp1915Gly (NM_001127221.2); c.5750A>G, p.Asp1917Gly (NM_001174080.2); short protein forms D1914G, D1915G, D1917G, D1920G.
Identifiers: ClinVar variation 2128376 (VCV002128376.5), dbSNP rs1390782540, ClinGen allele CA404334670.
Genomic context (GRCh38, chr19:13,214,599, plus strand): 5'-GACAGATTGGGCCAAATCGCCATCATCTCCTTCCGCAGCTCAGCGTCCATCTGCTGTTTG[T>C]CGGCTCCTCCTGCAATGGGGGTGTAGACAGACCCTGACTGCCTGCCTGGGTGTCAGCTGG-3'
Protein context (NP_001120694.1, residues 1904-1924): LDIKIAKGGA[Asp1914Gly]KQQMDAELRK